The following is an entry in ClinVar:

NM_005120.3(MED12):c.3354+54G>A

Gene: MED12 (mediator complex subunit 12; plus strand). Cytogenetic location: Xq13.1.
Variant type: single nucleotide variant.
Coding change: c.3354+54G>A on transcript NM_005120.3 (MANE Select); 54 bases into the intron after coding-DNA position 3354, G replaced by A.
Molecular consequence: intron variant.
Genome position (GRCh38, 1-based): chrX:71,128,494, G>A. VCF-style: chrX-71128494-G-A. GRCh37 (hg19) VCF-style: chrX-70348344-G-A.
Identifiers: ClinVar variation 674532 (VCV000674532.2), dbSNP rs5030618, ClinGen allele CA15054481.

ClinVar aggregate classification (germline): Benign. Review status: criteria provided, multiple submitters, no conflicts (2 of 4 stars). 2 submissions from 2 submitters: Benign (2). Last evaluated 2018-06-14.

Allele frequency attached by ClinVar (database versions not stated): 1000 Genomes Project 0.11576; 1000 Genomes Project 30x 0.11946; TOPMed 0.21504; gnomAD 0.22251 and 0.22662; gnomAD exomes 0.28770.

Submissions (2):

GeneDx
Classification: Benign. Last evaluated: 2018-06-14. Review status: criteria provided, single submitter. Criteria: GeneDx Variant Classification (06012015). Collection method: clinical testing. Allele origin: germline. Affected: yes.
Comment: This variant is considered likely benign or benign based on one or more of the following criteria: it is a conservative change, it occurs at a poorly conserved position in the protein, it is predicted to be benign by multiple in silico algorithms, and/or has population frequency not consistent with disease.

Breakthrough Genomics
Classification: Benign. Review status: criteria provided, single submitter. Criteria: ACMG Guidelines, 2015. Collection method: not provided. Allele origin: germline. Inheritance: X-linked inheritance. Affected: yes.